The following is an entry in ClinVar:

NM_004706.4(ARHGEF1):c.422A>G (p.Glu141Gly)

Gene: ARHGEF1 (Rho guanine nucleotide exchange factor 1; plus strand). Cytogenetic location: 19q13.2.
Variant type: single nucleotide variant.
Coding change: c.422A>G on transcript NM_004706.4 (MANE Select); coding-DNA position 422, A replaced by G.
Protein change: p.Glu141Gly; replaces glutamic acid 141 with glycine.
Molecular consequence: missense variant. On other transcripts: non-coding transcript variant (2).
Genome position (GRCh38, 1-based): chr19:41,892,657, A>G. VCF-style: chr19-41892657-A-G. GRCh37 (hg19) VCF-style: chr19-42396728-A-G.
Other names: c.422A>G, p.Glu141Gly (NM_001396000.1, NM_001396003.1, NM_001396006.1); c.323A>G, p.Glu108Gly (NM_001396002.1, NM_001396004.1, NM_198977.2); c.467A>G, p.Glu156Gly (NM_199002.2); short protein forms E141G, E156G, E108G.
Identifiers: ClinVar variation 3686692 (VCV003686692.2).

ClinVar aggregate classification (germline): Uncertain significance (1 of 4 stars; one submission).

Submission:

Labcorp Genetics (formerly Invitae), Labcorp
Classification: Uncertain significance. Last evaluated: 2024-04-03. Review status: criteria provided, single submitter. Criteria: Invitae Variant Classification Sherloc (09022015). Collection method: clinical testing. Allele origin: germline.
Comment: This sequence change replaces glutamic acid, which is acidic and polar, with glycine, which is neutral and non-polar, at codon 156 of the ARHGEF1 protein (p.Glu156Gly). This variant is not present in population databases (gnomAD no frequency). This variant has not been reported in the literature in individuals affected with ARHGEF1-related conditions. An algorithm developed to predict the effect of missense changes on protein structure and function (PolyPhen-2) suggests that this variant is likely to be tolerated. In summary, the available evidence is currently insufficient to determine the role of this variant in disease. Therefore, it has been classified as a Variant of Uncertain Significance.